The following is an entry in ClinVar:

ClinVar aggregate classification (germline): Uncertain significance. Review status: criteria provided, multiple submitters, no conflicts (2 of 4 stars). 2 submissions from 2 submitters: Uncertain significance (2). Last evaluated 2025-11-01.

Conditions:
Dilated cardiomyopathy 1G (CMD1G). Identifiers: Orphanet 154, MedGen C1858763, MONDO:0011400, OMIM 604145.
Autosomal recessive limb-girdle muscular dystrophy type 2J (LGMDR10). Also called: Limb-girdle muscular dystrophy, type 2J; MUSCULAR DYSTROPHY, LIMB-GIRDLE, AUTOSOMAL RECESSIVE 10. Identifiers: Orphanet 140922, MedGen C1837342, MONDO:0012127, OMIM 608807.

Allele frequency attached by ClinVar (database versions not stated): ExAC 0.00001; gnomAD 0.00001 and 0.00002; gnomAD exomes 0.00001; TOPMed 0.00003.
gnomAD v4.1: 15 of 1,613,842 alleles (0.00093%); highest among the groups gnomAD compares: Middle Eastern, 0.016%; no homozygotes.

Submissions (2):

Labcorp Genetics (formerly Invitae), Labcorp
Classification: Uncertain significance for Dilated cardiomyopathy 1G; Autosomal recessive limb-girdle muscular dystrophy type 2J. Last evaluated: 2025-11-01. Review status: criteria provided, single submitter. Criteria: Invitae Variant Classification Sherloc (09022015). Collection method: clinical testing. Allele origin: germline.
Comment: This sequence change replaces glutamic acid, which is acidic and polar, with lysine, which is basic and polar, at codon 31761 of the TTN protein (p.Glu31761Lys). This variant is present in population databases (rs727505342, gnomAD 0.003%). This variant has not been reported in the literature in individuals affected with TTN-related conditions. ClinVar contains an entry for this variant (Variation ID: 180091). Experimental studies and prediction algorithms are not available or were not evaluated, and the functional significance of this variant is currently unknown. This variant is located in the A band of TTN (PMID: 25589632). Variants in this region may be relevant for cardiac or neuromuscular disorders (PMID: 25589632, 23975875). In summary, the available evidence is currently insufficient to determine the role of this variant in disease. Therefore, it has been classified as a Variant of Uncertain Significance.

Laboratory for Molecular Medicine, Mass General Brigham Personalized Medicine
Classification: Uncertain significance. Last evaluated: 2014-12-11. Review status: criteria provided, single submitter. Criteria: LMM Criteria. Collection method: clinical testing. Allele origin: germline. Observed: 2 variant alleles.
Comment: The p.Glu29193Lys variant in TTN has not been previously reported in individuals with cardiomyopathy, but has been identified in 1/67648 European (non-Finnish) chromosomes by the Exome Aggregation Consortium (ExAC). Computational prediction tools and conservation analysis suggest that th is variant may impact the protein, though this information is not predictive eno ugh to determine pathogenicity. In summary, the clinical significance of the p.G lu29193Lys variant is uncertain.

Literature cited by the submitters: PubMed 25589632 (cited by Labcorp Genetics (formerly Invitae), Labcorp); PubMed 23975875 (cited by Labcorp Genetics (formerly Invitae), Labcorp).

NM_001267550.2(TTN):c.95281G>A (p.Glu31761Lys)

Genes: TTN (titin; minus strand), TTN-AS1 (TTN antisense RNA 1; plus strand). Cytogenetic location: 2q31.2.
Variant type: single nucleotide variant.
Coding change: c.95281G>A on transcript NM_001267550.2 (MANE Select); coding-DNA position 95281, G replaced by A.
Protein change: p.Glu31761Lys; replaces glutamic acid 31761 with lysine.
Molecular consequence: missense variant.
Genome position (GRCh38, 1-based): chr2:178,545,955, C>T on the plus strand (G>A on the coding strand, the complement: TTN is on the minus strand). VCF-style: chr2-178545955-C-T. GRCh37 (hg19) VCF-style: chr2-179410682-C-T.
Other names: c.87577G>A, p.Glu29193Lys (NM_133378.4); c.90358G>A, p.Glu30120Lys (NM_001256850.1); c.68086G>A, p.Glu22696Lys (NM_003319.4); c.68461G>A, p.Glu22821Lys (NM_133432.3); c.68662G>A, p.Glu22888Lys (NM_133437.4); short protein forms E29193K, E31761K, E22696K, E22821K, E22888K, E30120K.
Identifiers: ClinVar variation 180091 (VCV000180091.13), dbSNP rs727505342, ClinGen allele CA185788.